The following is an entry in ClinVar:

ClinVar aggregate classification (germline): Uncertain significance (1 of 4 stars; one submission).

Conditions:
Congenital myotonia, autosomal recessive form. Also called: BECKER DISEASE; Becker Generalized Myotonia; myotonia congenita, autosomal recessive. Identifiers: Orphanet 614, MedGen C0751360, MONDO:0009715, OMIM 255700.
Congenital myotonia, autosomal dominant form (THD). Also called: THOMSEN DISEASE; Myotonia congenita autosomal dominant. Identifiers: Orphanet 614, MedGen C2936781, MONDO:0008055, OMIM 160800.

Submission:

Labcorp Genetics (formerly Invitae), Labcorp
Classification: Uncertain significance for Congenital myotonia, autosomal recessive form; Congenital myotonia, autosomal dominant form. Last evaluated: 2022-02-05. Review status: criteria provided, single submitter. Criteria: Invitae Variant Classification Sherloc (09022015). Collection method: clinical testing. Allele origin: germline.
Comment: In summary, the available evidence is currently insufficient to determine the role of this variant in disease. Therefore, it has been classified as a Variant of Uncertain Significance. Advanced modeling of protein sequence and biophysical properties (such as structural, functional, and spatial information, amino acid conservation, physicochemical variation, residue mobility, and thermodynamic stability) performed at Invitae indicates that this missense variant is not expected to disrupt CLCN1 protein function. This variant has not been reported in the literature in individuals affected with CLCN1-related conditions. This variant is not present in population databases (gnomAD no frequency). This sequence change replaces valine, which is neutral and non-polar, with leucine, which is neutral and non-polar, at codon 711 of the CLCN1 protein (p.Val711Leu).

NM_000083.3(CLCN1):c.2131G>C (p.Val711Leu)

Gene: CLCN1 (chloride voltage-gated channel 1; plus strand). Cytogenetic location: 7q34.
Variant type: single nucleotide variant.
Coding change: c.2131G>C on transcript NM_000083.3 (MANE Select); coding-DNA position 2131, G replaced by C.
Protein change: p.Val711Leu; replaces valine 711 with leucine.
Molecular consequence: missense variant. On other transcripts: non-coding transcript variant (1).
Genome position (GRCh38, 1-based): chr7:143,345,721, G>C. VCF-style: chr7-143345721-G-C. GRCh37 (hg19) VCF-style: chr7-143042814-G-C.
Other names: short protein forms V711L.
Identifiers: ClinVar variation 1361371 (VCV001361371.8), dbSNP rs2116384678, ClinGen allele CA369650592.